The following is an entry in ClinVar:

NM_000023.4(SGCA):c.304G>A (p.Val102Ile)

Gene: SGCA (sarcoglycan alpha; plus strand). Cytogenetic location: 17q21.33.
Variant type: single nucleotide variant.
Coding change: c.304G>A on transcript NM_000023.4 (MANE Select); coding-DNA position 304, G replaced by A.
Protein change: p.Val102Ile; replaces valine 102 with isoleucine.
Molecular consequence: missense variant. On other transcripts: non-coding transcript variant (1).
Genome position (GRCh38, 1-based): chr17:50,167,728, G>A. VCF-style: chr17-50167728-G-A. GRCh37 (hg19) VCF-style: chr17-48245089-G-A.
Other names: c.304G>A, p.Val102Ile (NM_001135697.3); short protein forms V102I.
Identifiers: ClinVar variation 961734 (VCV000961734.12), dbSNP rs1266940329, ClinGen allele CA400177972.
Genomic context (GRCh38, chr17:50,167,728, plus strand): 5'-AGCCCCCACCACCCTGGCTTCCTCTACGGCTCTGCCACCCCAGAAGATCGTGGGCTCCAG[G>A]TCATTGAGGTGCCGTCAGGGACCCTGAGAAAATCACAGGGGTGGGCCAGAGTGGCCTCCT-3'
Protein context (NP_000014.1, residues 92-112): SATPEDRGLQ[Val102Ile]IEVTAYNRDS

ClinVar aggregate classification (germline): Uncertain significance. Review status: criteria provided, multiple submitters, no conflicts (2 of 4 stars). 4 submissions from 4 submitters: Uncertain significance (3). 1 of the submissions does not count toward it. Last evaluated 2025-01-23.

Conditions:
Autosomal recessive limb-girdle muscular dystrophy type 2D (LGMDR3). Also called: DUCHENNE-LIKE AUTOSOMAL RECESSIVE MUSCULAR DYSTROPHY, TYPE 2; ADHALINOPATHY, PRIMARY; MUSCULAR DYSTROPHY, LIMB-GIRDLE, AUTOSOMAL RECESSIVE 3. Identifiers: Orphanet 62, MedGen C2936332, MONDO:0011968, OMIM 608099. Disease mechanism: Affects gamma-sarcoglycan and also disrupts the integrity of the entire sarcoglycan complex..

Allele frequency attached by ClinVar (database versions not stated): gnomAD exomes 0.00001.

Submissions (4):

GeneDx
Classification: Uncertain significance. Last evaluated: 2025-01-23. Review status: criteria provided, single submitter. Criteria: GeneDx Variant Classification Process June 2021. Collection method: clinical testing. Allele origin: germline. Affected: yes.
Comment: Not observed at significant frequency in large population cohorts (gnomAD); In silico analysis indicates that this missense variant does not alter protein structure/function; Has not been previously published as pathogenic or benign to our knowledge; In silico analysis is inconclusive as to whether the variant alters gene splicing. In the absence of RNA/functional studies, the actual effect of this sequence change is unknown.; This variant is associated with the following publications: (PMID: 19781108)

Women's Health and Genetics/Laboratory Corporation of America, LabCorp
Classification: Uncertain significance. Last evaluated: 2024-01-11. Review status: criteria provided, single submitter. Criteria: LabCorp Variant Classification Summary - May 2015. Collection method: clinical testing. Allele origin: germline.

Labcorp Genetics (formerly Invitae), Labcorp
Classification: Uncertain significance for Autosomal recessive limb-girdle muscular dystrophy type 2D. Last evaluated: 2021-08-26. Review status: criteria provided, single submitter. Criteria: Invitae Variant Classification Sherloc (09022015). Collection method: clinical testing. Allele origin: germline.
Comment: This sequence change replaces valine with isoleucine at codon 102 of the SGCA protein (p.Val102Ile). The valine residue is moderately conserved and there is a small physicochemical difference between valine and isoleucine. This variant is not present in population databases (ExAC no frequency). This variant has not been reported in the literature in individuals affected with SGCA-related conditions. Algorithms developed to predict the effect of missense changes on protein structure and function output the following: SIFT: "Tolerated"; PolyPhen-2: "Benign"; Align-GVGD: "Class C0". The isoleucine amino acid residue is found in multiple mammalian species, which suggests that this missense change does not adversely affect protein function. In summary, the available evidence is currently insufficient to determine the role of this variant in disease. Therefore, it has been classified as a Variant of Uncertain Significance.

Natera, Inc.
Classification: Uncertain significance for Limb-girdle muscular dystrophy type 2D. Last evaluated: 2020-07-29. Review status: no assertion criteria provided. Collection method: clinical testing. Allele origin: germline. Not counted in ClinVar's aggregate classification.